The following is an entry in ClinVar:

ClinVar aggregate classification (germline): Uncertain significance. Review status: criteria provided, multiple submitters, no conflicts (2 of 4 stars). 2 submissions from 2 submitters: Uncertain significance (2). Last evaluated 2023-04-29.

Conditions:
ADAMTSL4-related disorder. Also called: ADAMTSL4-Related Disorders; ADAMTSL4-related condition.

gnomAD v4.1: 2 of 1,613,850 alleles (0.00012%); highest among the groups gnomAD compares: Non-Finnish European, 0.00017%; no homozygotes.

Submissions (2):

Labcorp Genetics (formerly Invitae), Labcorp
Classification: Uncertain significance. Last evaluated: 2023-04-29. Review status: criteria provided, single submitter. Criteria: Invitae Variant Classification Sherloc (09022015). Collection method: clinical testing. Allele origin: germline.
Comment: In summary, the available evidence is currently insufficient to determine the role of this variant in disease. Therefore, it has been classified as a Variant of Uncertain Significance. Advanced modeling of protein sequence and biophysical properties (such as structural, functional, and spatial information, amino acid conservation, physicochemical variation, residue mobility, and thermodynamic stability) performed at Invitae indicates that this missense variant is not expected to disrupt ADAMTSL4 protein function. This variant has not been reported in the literature in individuals affected with ADAMTSL4-related conditions. This variant is not present in population databases (gnomAD no frequency). This sequence change replaces arginine, which is basic and polar, with glycine, which is neutral and non-polar, at codon 147 of the ADAMTSL4 protein (p.Arg147Gly).

PreventionGenetics, part of Exact Sciences
Classification: Uncertain significance for ADAMTSL4-related condition. Last evaluated: 2023-02-15. Review status: criteria provided, single submitter. Criteria: ACMG Guidelines, 2015. Collection method: clinical testing. Allele origin: germline.
Comment: The ADAMTSL4 c.439C>G variant is predicted to result in the amino acid substitution p.Arg147Gly. To our knowledge, this variant has not been reported in the literature or in a large population database, indicating this variant is rare. At this time, the clinical significance of this variant is uncertain due to the absence of conclusive functional and genetic evidence.

NM_019032.6(ADAMTSL4):c.439C>G (p.Arg147Gly)

Genes: ADAMTSL4 (ADAMTS like 4; plus strand), ADAMTSL4-AS2 (ADAMTSL4 antisense RNA 2; minus strand). Cytogenetic location: 1q21.2.
Variant type: single nucleotide variant.
Coding change: c.439C>G on transcript NM_019032.6 (MANE Select); coding-DNA position 439, C replaced by G.
Protein change: p.Arg147Gly; replaces arginine 147 with glycine.
Molecular consequence: missense variant.
Genome position (GRCh38, 1-based): chr1:150,553,430, C>G. VCF-style: chr1-150553430-C-G. GRCh37 (hg19) VCF-style: chr1-150525906-C-G.
Other names: c.439C>G, p.Arg147Gly (NM_001288607.2, NM_001288608.2, NM_001378596.1 and 1 more transcripts); short protein forms R147G.
Identifiers: ClinVar variation 2634933 (VCV002634933.4), dbSNP rs779011667, ClinGen allele CA342300737.